The following is an entry in ClinVar:

NM_001267550.2(TTN):c.63794-5T>C

Genes: TTN (titin; minus strand), TTN-AS1 (TTN antisense RNA 1; plus strand). Cytogenetic location: 2q31.2.
Variant type: single nucleotide variant.
Coding change: c.63794-5T>C on transcript NM_001267550.2 (MANE Select); 5 bases into the intron before coding-DNA position 63794, T replaced by C.
Molecular consequence: intron variant.
Genome position (GRCh38, 1-based): chr2:178,587,422, A>G on the plus strand (T>C on the coding strand, the complement: TTN is on the minus strand). VCF-style: chr2-178587422-A-G. GRCh37 (hg19) VCF-style: chr2-179452149-A-G.
Other names: c.36599-5T>C (NM_003319.4); c.37175-5T>C (NM_133437.4); c.36974-5T>C (NM_133432.3); c.56090-5T>C (NM_133378.4); c.58871-5T>C (NM_001256850.1).
Identifiers: ClinVar variation 3975810 (VCV003975810.1).

ClinVar aggregate classification (germline): Uncertain significance (1 of 4 stars; one submission).

Conditions:
Cardiovascular phenotype. Identifiers: MedGen CN230736.

gnomAD v4.1: 3 of 1,604,734 alleles (0.00019%); highest among the groups gnomAD compares: Non-Finnish European, 0.00026%; no homozygotes.

Submission:

Ambry Genetics
Classification: Uncertain significance for Cardiovascular phenotype. Last evaluated: 2025-05-08. Review status: criteria provided, single submitter. Criteria: Ambry Variant Classification Scheme 2023. Collection method: clinical testing. Allele origin: germline.
Comment: The c.36599-5T>C intronic variant results from a T to C substitution 5 nucleotides upstream from coding exon 134 in the TTN gene. This nucleotide position is not well conserved in available vertebrate species. In silico splice site analysis predicts that this alteration will not have any significant effect on splicing. Based on the available evidence, the clinical significance of this variant remains unclear.